The following is an entry in ClinVar:

ClinVar aggregate classification (germline): Pathogenic (1 of 4 stars; one submission).

Conditions:
Mitochondrial trifunctional protein deficiency. Identifiers: Orphanet 746, MedGen C1969443, MONDO:0012172.
Long chain 3-hydroxyacyl-CoA dehydrogenase deficiency. Also called: Deficiency of long-chain 3-hydroxyacyl-coenzyme A dehydrogenase; LCHAD Deficiency. Identifiers: Orphanet 5, MedGen C3711645, MONDO:0012173, OMIM 609016.

Allele frequency attached by ClinVar (database versions not stated): gnomAD exomes below 0.00001; TOPMed below 0.00001; gnomAD 0.00001.
gnomAD v4.1: 2 of 1,614,064 alleles (0.00012%); highest among the groups gnomAD compares: East Asian, 0.0022%; no homozygotes.

Submission:

Labcorp Genetics (formerly Invitae), Labcorp
Classification: Pathogenic for Mitochondrial trifunctional protein deficiency; Long chain 3-hydroxyacyl-CoA dehydrogenase deficiency. Last evaluated: 2026-01-09. Review status: criteria provided, single submitter. Criteria: Invitae Variant Classification Sherloc (09022015). Collection method: clinical testing. Allele origin: germline.
Comment: This sequence change creates a premature translational stop signal (p.Lys734*) in the HADHA gene. While this is not anticipated to result in nonsense mediated decay, it is expected to disrupt the last 30 amino acid(s) of the HADHA protein. This variant is not present in population databases (gnomAD no frequency). This variant has not been reported in the literature in individuals affected with HADHA-related conditions. ClinVar contains an entry for this variant (Variation ID: 1390752). This variant disrupts a region of the HADHA protein in which other variant(s) (p.Phe744Thrfs*10) have been determined to be pathogenic (PMID: 12237653, 21549624). This suggests that this is a clinically significant region of the protein, and that variants that disrupt it are likely to be disease-causing. For these reasons, this variant has been classified as Pathogenic.

Literature cited by the submitters: PubMed 12237653; PubMed 21549624.

NM_000182.5(HADHA):c.2200A>T (p.Lys734Ter)

Genes: GAREM2 (GRB2 associated regulator of MAPK1 subtype 2; plus strand), HADHA (hydroxyacyl-CoA dehydrogenase trifunctional multienzyme complex subunit alpha; minus strand). Cytogenetic location: 2p23.3.
Variant type: single nucleotide variant.
Coding change: c.2200A>T on transcript NM_000182.5 (MANE Select); coding-DNA position 2200, A replaced by T.
Protein change: p.Lys734Ter; replaces lysine 734 with a stop codon.
Molecular consequence: nonsense.
Genome position (GRCh38, 1-based): chr2:26,191,342, T>A on the plus strand (A>T on the coding strand, the complement: HADHA is on the minus strand). VCF-style: chr2-26191342-T-A. GRCh37 (hg19) VCF-style: chr2-26414211-T-A.
Other names: short protein forms K734*.
Identifiers: ClinVar variation 1390752 (VCV001390752.8), dbSNP rs1322871046, ClinGen allele CA346111649.
Genomic context (GRCh38, chr2:26,191,342, plus strand): 5'-CATGGTCAGCTAGCAGCTGGCATGGGGTGAACTGTTTTCCATAGGCAGCTTCATATTTCT[T>A]GAGCCGGTCCACTATCTTCTGGGCGCCATACAGATCCACAAAGCGGAAAGGCCCTGAATA-3'